The following is an entry in ClinVar:

NM_001039111.3(TRIM71):c.248C>T (p.Ala83Val)

Gene: TRIM71 (tripartite motif containing 71; plus strand). Cytogenetic location: 3p22.3.
Variant type: single nucleotide variant.
Coding change: c.248C>T on transcript NM_001039111.3 (MANE Select); coding-DNA position 248, C replaced by T.
Protein change: p.Ala83Val; replaces alanine 83 with valine.
Molecular consequence: missense variant.
Genome position (GRCh38, 1-based): chr3:32,818,328, C>T. VCF-style: chr3-32818328-C-T. GRCh37 (hg19) VCF-style: chr3-32859820-C-T.
Other names: short protein forms A83V.
Identifiers: ClinVar variation 996340 (VCV000996340.3), dbSNP rs1284064696, ClinGen allele CA351984711.
Genomic context (GRCh38, chr3:32,818,328, plus strand): 5'-ACGCCTTCTGCCGCCCCTGCCTCGAGGCGCACCGGCTGCCGGCGGCGGGCGGCGGCGCGG[C>T]GGGAGAGCCGCTCAAGCTGCGCTGCCCCGTGTGCGACCAGAAAGTAGTGCTAGCCGAGGC-3'
Protein context (NP_001034200.1, residues 73-93): HRLPAAGGGA[Ala83Val]GEPLKLRCPV

ClinVar aggregate classification (germline): Uncertain significance (1 of 4 stars; one submission).

Conditions:
Cryptozoospermia. Identifiers: MedGen C3279550, HP:0030974.

gnomAD v4.1: 2 of 1,443,812 alleles (0.00014%); highest among the groups gnomAD compares: South Asian, 0.0013%; no homozygotes.

Submission:

Institute of Reproductive Genetics, University of Münster
Classification: Uncertain significance for Cryptozoospermia. Last evaluated: 2021-03-01. Review status: criteria provided, single submitter. Criteria: ACMG Guidelines, 2015. Collection method: research. Allele origin: unknown. Inheritance: Autosomal unknown. Affected: yes. Observed: 1 variant allele, 1 heterozygote.
Comment: PM1, PM2, BP4